The following is an entry in ClinVar:

ClinVar aggregate classification (germline): Uncertain significance (0 of 4 stars; one submission).

Conditions:
MKKS-related disorder. Also called: MKKS-related condition; MKKS-related disorders.

gnomAD v4.1: 1 of 1,614,014 alleles (0.000062%); highest among the groups gnomAD compares: Admixed American, 0.0017%; no homozygotes.

Submission:

PreventionGenetics, part of Exact Sciences
Classification: Uncertain significance for MKKS-related condition. Last evaluated: 2024-08-07. Review status: no assertion criteria provided. Collection method: clinical testing. Allele origin: germline.
Comment: The MKKS c.956C>G variant is predicted to result in the amino acid substitution p.Thr319Ser. To our knowledge, this variant has not been reported in the literature. This variant is reported in 0.0029% of alleles in individuals of Latino descent in gnomAD. At this time, the clinical significance of this variant is uncertain due to the absence of conclusive functional and genetic evidence.

NM_170784.3(MKKS):c.956C>G (p.Thr319Ser)

Gene: MKKS (MKKS centrosomal shuttling protein; minus strand). Cytogenetic location: 20p12.2.
Variant type: single nucleotide variant.
Coding change: c.956C>G on transcript NM_170784.3 (MANE Select); coding-DNA position 956, C replaced by G.
Protein change: p.Thr319Ser; replaces threonine 319 with serine.
Molecular consequence: missense variant.
Genome position (GRCh38, 1-based): chr20:10,412,559, G>C on the plus strand (C>G on the coding strand, the complement: MKKS is on the minus strand). VCF-style: chr20-10412559-G-C. GRCh37 (hg19) VCF-style: chr20-10393207-G-C.
Other names: c.956C>G, p.Thr319Ser (NM_018848.3); short protein forms T319S.
Identifiers: ClinVar variation 3344755 (VCV003344755.1).